The following is an entry in ClinVar:

NM_020988.3(GNAO1):c.594G>T (p.Arg198Ser)

Gene: GNAO1 (G protein subunit alpha o1; plus strand). Cytogenetic location: 16q13.
Variant type: single nucleotide variant.
Coding change: c.594G>T on transcript NM_020988.3 (MANE Select); coding-DNA position 594, G replaced by T.
Protein change: p.Arg198Ser; replaces arginine 198 with serine.
Molecular consequence: missense variant.
Genome position (GRCh38, 1-based): chr16:56,336,731, G>T. VCF-style: chr16-56336731-G-T. GRCh37 (hg19) VCF-style: chr16-56370643-G-T.
Other names: c.594G>T, p.Arg198Ser (NM_138736.3); short protein forms R198S.
Identifiers: ClinVar variation 2578218 (VCV002578218.1), dbSNP rs2506876581, ClinGen allele CA395952134.

ClinVar aggregate classification (germline): Uncertain significance (1 of 4 stars; one submission).

Submission:

GeneDx
Classification: Uncertain significance. Last evaluated: 2023-08-18. Review status: criteria provided, single submitter. Criteria: GeneDx Variant Classification Process June 2021. Collection method: clinical testing. Allele origin: germline. Affected: yes.
Comment: Not observed at significant frequency in large population cohorts (gnomAD); In silico analysis supports that this missense variant has a deleterious effect on protein structure/function; Has not been previously published as pathogenic or benign to our knowledge